The following is an entry in ClinVar:

NM_019066.5(MAGEL2):c.734C>T (p.Pro245Leu)

Gene: MAGEL2 (MAGE family member L2; minus strand). Cytogenetic location: 15q11.2.
Variant type: single nucleotide variant.
Coding change: c.734C>T on transcript NM_019066.5 (MANE Select); coding-DNA position 734, C replaced by T.
Protein change: p.Pro245Leu; replaces proline 245 with leucine.
Molecular consequence: missense variant.
Genome position (GRCh38, 1-based): chr15:23,647,009, G>A on the plus strand (C>T on the coding strand, the complement: MAGEL2 is on the minus strand). VCF-style: chr15-23647009-G-A. GRCh37 (hg19) VCF-style: chr15-23892156-G-A.
Other names: short protein forms P245L.
Identifiers: ClinVar variation 4088253 (VCV004088253.1).

ClinVar aggregate classification (germline): Uncertain significance (1 of 4 stars; one submission).

Submission:

GeneDx
Classification: Uncertain significance. Last evaluated: 2025-03-22. Review status: criteria provided, single submitter. Criteria: GeneDx Variant Classification Process June 2021. Collection method: clinical testing. Allele origin: germline. Affected: yes.
Comment: Not observed at significant frequency in large population cohorts (gnomAD); In silico analysis indicates that this missense variant does not alter protein structure/function; Has not been previously published as pathogenic or benign to our knowledge